The following is an entry in ClinVar:

NM_001148.6(ANK2):c.718G>A (p.Ala240Thr)

Gene: ANK2 (ankyrin 2; plus strand). Cytogenetic location: 4q26.
Variant type: single nucleotide variant.
Coding change: c.718G>A on transcript NM_001148.6 (MANE Select); coding-DNA position 718, G replaced by A.
Protein change: p.Ala240Thr; replaces alanine 240 with threonine.
Molecular consequence: missense variant.
Genome position (GRCh38, 1-based): chr4:113,240,509, G>A. VCF-style: chr4-113240509-G-A. GRCh37 (hg19) VCF-style: chr4-114161665-G-A.
Other names: c.718G>A, p.Ala240Thr (NM_001354225.2, NM_001354228.2, NM_001354232.2 and 9 more transcripts); c.763G>A, p.Ala255Thr (NM_001354230.2, NM_001354231.2, NM_001354237.2 and 5 more transcripts); c.655G>A, p.Ala219Thr (NM_001354252.2, NM_001354253.2, NM_001354254.2 and 14 more transcripts); c.631G>A, p.Ala211Thr (NM_001354260.2, NM_001354274.2, NM_001354276.2 and 16 more transcripts); c.676G>A, p.Ala226Thr (NM_001354261.2, NM_001386147.1, NM_001386160.1); c.706G>A, p.Ala236Thr (NM_001354269.3, NM_001386148.2, NM_001386186.2); c.769G>A, p.Ala257Thr (NM_001386174.1); c.745G>A, p.Ala249Thr (NM_001386175.1); and 1 more; short protein forms A211T, A219T, A226T, A249T, A228T, A255T, A257T, A236T.
Identifiers: ClinVar variation 4613548 (VCV004613548.1).

ClinVar aggregate classification (germline): Uncertain significance (1 of 4 stars; one submission).

Conditions:
Cardiovascular phenotype. Identifiers: MedGen CN230736.

Submission:

Ambry Genetics
Classification: Uncertain significance for Cardiovascular phenotype. Last evaluated: 2025-10-09. Review status: criteria provided, single submitter. Criteria: Ambry Variant Classification Scheme 2023. Collection method: clinical testing. Allele origin: germline.
Comment: The p.A240T variant (also known as c.718G>A), located in coding exon 8 of the ANK2 gene, results from a G to A substitution at nucleotide position 718. The alanine at codon 240 is replaced by threonine, an amino acid with similar properties. This amino acid position is highly conserved in available vertebrate species. In addition, this alteration is predicted to be deleterious by in silico analysis. Based on the available evidence, the clinical significance of this variant remains unclear.